The following is an entry in ClinVar:

NM_018238.4(AGK):c.258G>A (p.Pro86=)

Gene: AGK (acylglycerol kinase; plus strand). Cytogenetic location: 7q34.
Variant type: single nucleotide variant.
Coding change: c.258G>A on transcript NM_018238.4 (MANE Select); coding-DNA position 258, G replaced by A.
Protein change: p.Pro86=; no amino-acid change (proline 86 retained).
Molecular consequence: synonymous variant.
Genome position (GRCh38, 1-based): chr7:141,601,241, G>A. VCF-style: chr7-141601241-G-A. GRCh37 (hg19) VCF-style: chr7-141301041-G-A.
Other names: c.258G>A, p.Pro86= (NM_001364948.3).
Identifiers: ClinVar variation 2658094 (VCV002658094.25), dbSNP rs773960062, ClinGen allele CA4517371.

ClinVar aggregate classification (germline): Likely benign. Review status: criteria provided, multiple submitters, no conflicts (2 of 4 stars). 2 submissions from 2 submitters: Likely benign (2). Last evaluated 2023-01-01.

Allele frequency attached by ClinVar (database versions not stated): gnomAD 0.00002.
gnomAD v4.1: 10 of 1,612,668 alleles (0.00062%); highest among the groups gnomAD compares: East Asian, 0.0089%; no homozygotes.

Submissions (2):

CeGaT Center for Human Genetics Tuebingen
Classification: Likely benign. Last evaluated: 2023-01-01. Review status: criteria provided, single submitter. Criteria: CeGaT Center For Human Genetics Tuebingen Variant Classification Criteria Version 2. Collection method: clinical testing. Allele origin: germline. Affected: yes. Observed: 1 variant allele.
Comment: AGK: BP4, BP7

Blueprint Genetics
Classification: Likely benign. Last evaluated: 2022-09-06. Review status: criteria provided, single submitter. Criteria: ACMG Guidelines, 2015. Collection method: clinical testing. Allele origin: germline.